The following is an entry in ClinVar:

NM_000257.4(MYH7):c.2163-8del

Gene: MYH7 (myosin heavy chain 7; minus strand). Cytogenetic location: 14q11.2.
Variant type: Deletion.
Coding change: c.2163-8del on transcript NM_000257.4 (MANE Select); 8 bases into the intron before coding-DNA position 2163, one base deleted (C; older notation c.2163-8delC).
Molecular consequence: intron variant.
Genome position (GRCh38, 1-based): chr14:23,425,826, G deleted on the plus strand (C on the coding strand, the reverse complement: MYH7 is on the minus strand); the first of 3 consecutive G bases (chr14:23,425,826-23,425,828); deleting any one gives the same sequence. VCF-style (leftmost placement, unchanged base first): chr14-23425825-AG-A. GRCh37 (hg19) VCF-style: chr14-23895034-AG-A.
Identifiers: ClinVar variation 920464 (VCV000920464.14), dbSNP rs1892675036, ClinGen allele CA1139663362.

ClinVar aggregate classification (germline): Conflicting classifications of pathogenicity. Review status: criteria provided, conflicting classifications (1 of 4 stars). 3 submissions from 3 submitters: Uncertain significance (2); Likely benign (1). Last evaluated 2023-12-13.

Conditions:
Hypertrophic cardiomyopathy. Also called: HYPERTROPHIC MYOCARDIOPATHY. Identifiers: Orphanet 217569, MedGen C0007194, MeSH D002312, MONDO:0005045, HP:0001639.
Cardiomyopathy (CMYO). Also called: Cardiomyopathies. Identifiers: Orphanet 167848, MedGen C0878544, MONDO:0004994, HP:0001638. Inheritance: Various modes of inheritance.

Submissions (3):

All of Us Research Program, National Institutes of Health
Classification: Uncertain significance for Cardiomyopathy. Last evaluated: 2023-12-13. Review status: criteria provided, single submitter. Criteria: ACMG Guidelines, 2015. Collection method: clinical testing. Allele origin: germline. Inheritance: Autosomal dominant inheritance. Observed: 1 variant allele, 1 heterozygote.
Comment: This variant causes a deletion of 1 nucleotide in intron 19 of the MYH7 gene. To our knowledge, functional studies have not been reported for this variant. This variant has not been reported in individuals affected with MYH7-related disorders in the literature. This variant has not been identified in the general population by the Genome Aggregation Database (gnomAD). The available evidence is insufficient to determine the role of this variant in disease conclusively. Therefore, this variant is classified as a Variant of Uncertain Significance.

This study involves interpretation of variants in research participants for the purpose of population health screening. Participant phenotype was not available at the time of variant classification. Additional details can be found in publication PMID: 35346344, PMCID: PMC8962531

Color Diagnostics, LLC DBA Color Health
Classification: Uncertain significance for Cardiomyopathy. Last evaluated: 2023-11-15. Review status: criteria provided, single submitter. Criteria: ACMG Guidelines, 2015. Collection method: clinical testing. Allele origin: germline.
Comment: This variant causes a deletion of 1 nucleotide in intron 19 of the MYH7 gene. To our knowledge, functional studies have not been reported for this variant. This variant has not been reported in individuals affected with MYH7-related disorders in the literature. This variant has not been identified in the general population by the Genome Aggregation Database (gnomAD). The available evidence is insufficient to determine the role of this variant in disease conclusively. Therefore, this variant is classified as a Variant of Uncertain Significance.

Labcorp Genetics (formerly Invitae), Labcorp
Classification: Likely benign for Hypertrophic cardiomyopathy. Last evaluated: 2019-09-12. Review status: criteria provided, single submitter. Criteria: Invitae Variant Classification Sherloc (09022015). Collection method: clinical testing. Allele origin: germline.